The following is an entry in ClinVar:

NM_001009944.3(PKD1):c.2039A>T (p.Tyr680Phe)

Gene: PKD1 (polycystin 1, transient receptor potential channel interacting; minus strand). Cytogenetic location: 16p13.3.
Variant type: single nucleotide variant.
Coding change: c.2039A>T on transcript NM_001009944.3 (MANE Select); coding-DNA position 2039, A replaced by T.
Protein change: p.Tyr680Phe; replaces tyrosine 680 with phenylalanine.
Molecular consequence: missense variant.
Genome position (GRCh38, 1-based): chr16:2,115,436, T>A on the plus strand (A>T on the coding strand, the complement: PKD1 is on the minus strand). VCF-style: chr16-2115436-T-A. GRCh37 (hg19) VCF-style: chr16-2165437-T-A.
Other names: c.2039A>T, p.Tyr680Phe (NM_000296.4); short protein forms Y680F.
Identifiers: ClinVar variation 256930 (VCV000256930.8), dbSNP rs370141157, ClinGen allele CA7833302.
Genomic context (GRCh38, chr16:2,115,436, plus strand): 5'-ACCGAGTACTGCGCGGGGGGCCCCGCGGGAACGGAGAAGAGGAACTCTCTCCATAGCGCA[T>A]AGGGGGCCCCGGGTAGCCCTGGCCCTGACGTGCAGCCATTGGCGCAGGCCTGGGGGTGGC-3'
Protein context (NP_001009944.3, residues 670-690): TSGPGLPGAP[Tyr680Phe]ALWREFLFSV

ClinVar aggregate classification (germline): Benign/Likely benign. Review status: criteria provided, multiple submitters, no conflicts (2 of 4 stars). 6 submissions from 6 submitters: Benign (1); Likely benign (2). 3 of the submissions do not count toward it. Last evaluated 2024-07-02.

Conditions:
Polycystic kidney disease. Also called: Polycystic kidney dysplasia; Kidney, Polycystic. Identifiers: MedGen C0022680, MeSH D007690, MONDO:0020642, HP:0000113.

Allele frequency attached by ClinVar (database versions not stated): gnomAD exomes 0.00030 and 0.00098; gnomAD 0.00080; TOPMed 0.00103; ExAC 0.00217; 1000 Genomes Project 30x 0.00250; 1000 Genomes Project 0.00319.

Submissions (6):

Blueprint Genetics
Classification: Likely benign. Last evaluated: 2024-07-02. Review status: criteria provided, single submitter. Criteria: ACMG Guidelines, 2015. Collection method: clinical testing. Allele origin: germline.

Athena Diagnostics
Classification: Benign. Last evaluated: 2020-09-01. Review status: criteria provided, single submitter. Criteria: Athena Diagnostics criteria. Collection method: clinical testing. Allele origin: unknown.

PreventionGenetics, part of Exact Sciences
Classification: Likely benign. Review status: criteria provided, single submitter. Criteria: ACMG Guidelines, 2015. Collection method: clinical testing. Allele origin: germline.

Clinical Genetics DNA and cytogenetics Diagnostics Lab, Erasmus MC, Erasmus Medical Center
Classification: Benign. Review status: no assertion criteria provided. Collection method: clinical testing. Allele origin: germline. Affected: yes. Study: VKGL Data-share Consensus. Not counted in ClinVar's aggregate classification.

Department of Pathology and Laboratory Medicine, Sinai Health System
Classification: Benign for Polycystic Kidney disease. Review status: no assertion criteria provided. Collection method: clinical testing. Allele origin: unknown. Affected: yes. Study: The Canadian Open Genetics Repository (COGR). Not counted in ClinVar's aggregate classification.
Comment: The PKD1 p.Tyr680Phe variant was identified in 2 of 98 proband chromosomes (frequency: 0.020) from individuals or families with ADPKD in the Chinese population. Family analysis showed that the variant does not co-segregate with ADPKD and was classified as a probable polymorphism (Liu 2015, Xiao-Ping 2012). The variant was also identified in dbSNP (ID: rs370141157) as â€šÃ„Ãºwith likely benign alleleâ€šÃ„Ã¹; in the Clinvitae and Clinvar databases (as likely benign by Prevention Genetics) and in ADPKD Mutation Database 2x as likely neutral. The variant was further identified in the 1000 Genomes Project in 16 of 5000 chromosomes (frequency: 0.0032); the genome Aggregation Database (February 27, 2017) in 217 of 237604 chromosomes (freq. 0.001); and in the Exome Aggregation Consortium database (August 8th 2016) in 73 of 33700 chromosomes (freq. 0.002) in the following populations: East Asian in 69 of 1894 chromosomes (freq. 0.036), South Asian in 2 of 8840 chromosomes (freq. 0.0002), European (Non-Finnish) in 1of 17664 chromosomes (freq. 0.0001), other in 1 of 280 chromosomes and not seen in the African and Finnish populations increasing the likelihood this could be a low frequency benign variant. In addition we cannot be certain that data from control databases is specific to PKD1 and not from one of the six PKD1 pseudogenes. The variant was not identified in GeneInsight COGR, MutDB, PKD1-LOVD and PKD1-LOVD 3.0 databases and the NHLBI GO Exome Sequencing Project. In addition the variant was identified with a co-occurring pathogenic PKD2 variant (p.Arg803X), increasing the likelihood that the p.Tyr680Phe variant does not have clinical significance. The p.Tyr680 residue is not conserved in mammals and four out of five computational analyses (PolyPhen-2, SIFT, AlignGVGD, BLOSUM, MutationTaster) do not suggest a high likelihood of impact to the protein; however, this information is not predictive enough to rule out pathogenicity. The variant occurs outside of the splicing consensus sequence and in silico or computational prediction software programs (SpliceSiteFinder, MaxEntScan, NNSPLICE, GeneSplicer, HumanSpliceFinder) do not predict a difference in splicing. In summary, based on the above information, this variant meets our laboratory criteria to be classified as benign.

Genome Diagnostics Laboratory, University Medical Center Utrecht
Classification: Benign. Review status: no assertion criteria provided. Collection method: clinical testing. Allele origin: germline. Affected: yes. Study: VKGL Data-share Consensus. Not counted in ClinVar's aggregate classification.

Literature cited by the submitters: PubMed 15775720 (cited by Athena Diagnostics); PubMed 25531466 (cited by Athena Diagnostics); PubMed 26632257 (cited by Athena Diagnostics); PubMed 23266634 (cited by Athena Diagnostics); PubMed 24582653 (cited by Athena Diagnostics); PubMed 30333007 (cited by Athena Diagnostics); PubMed 31056860 (cited by Athena Diagnostics).